The following is an entry in ClinVar:

ClinVar aggregate classification (germline): Uncertain significance (1 of 4 stars; one submission).

Conditions:
Inborn genetic diseases. Identifiers: MedGen C0950123, MeSH D030342.

Submission:

Ambry Genetics
Classification: Uncertain significance for Inborn genetic diseases. Last evaluated: 2025-09-26. Review status: criteria provided, single submitter. Criteria: Ambry Variant Classification Scheme 2023. Collection method: clinical testing. Allele origin: germline.
Comment: The p.W379S variant (also known as c.1136G>C), located in coding exon 6 of the RECQL4 gene, results from a G to C substitution at nucleotide position 1136. The tryptophan at codon 379 is replaced by serine, an amino acid with highly dissimilar properties. This amino acid position is conserved. In addition, the in silico prediction for this alteration is inconclusive. Based on the available evidence, the clinical significance of this variant remains unclear.

NM_004260.4(RECQL4):c.1136G>C (p.Trp379Ser)

Gene: RECQL4 (RecQ like helicase 4; minus strand). Cytogenetic location: 8q24.3.
Variant type: single nucleotide variant.
Coding change: c.1136G>C on transcript NM_004260.4 (MANE Select); coding-DNA position 1136, G replaced by C.
Protein change: p.Trp379Ser; replaces tryptophan 379 with serine.
Molecular consequence: missense variant. On other transcripts: initiator codon variant (5), non-coding transcript variant (3), intron variant (1).
Genome position (GRCh38, 1-based): chr8:144,515,886, C>G on the plus strand (G>C on the coding strand, the complement: RECQL4 is on the minus strand). VCF-style: chr8-144515886-C-G. GRCh37 (hg19) VCF-style: chr8-145741270-C-G.
Other names: c.1040G>C, p.Trp347Ser (NM_001413017.1, NM_001413020.1); c.1136G>C, p.Trp379Ser (NM_001413018.1, NM_001413019.1, NM_001413033.1 and 2 more transcripts); c.65G>C, p.Trp22Ser (NM_001413021.1, NM_001413022.1, NM_001413023.1 and 8 more transcripts); c.1007G>C, p.Trp336Ser (NM_001413025.1); c.3G>C, p.Met1Ile (NM_001413027.1, NM_001413030.1, NM_001413031.1 and 2 more transcripts); c.785G>C, p.Trp262Ser (NM_001413029.1); c.-210+102G>C (NM_001413043.1); short protein forms W262S, W379S, W22S, W336S, W347S, M1I.
Identifiers: ClinVar variation 4628931 (VCV004628931.1).